The following is an entry in ClinVar:

ClinVar aggregate classification (germline): Uncertain significance (1 of 4 stars; one submission).

Submission:

GeneDx
Classification: Uncertain significance. Last evaluated: 2025-06-04. Review status: criteria provided, single submitter. Criteria: GeneDx Variant Classification Process June 2021. Collection method: clinical testing. Allele origin: germline. Affected: yes.
Comment: Not observed at significant frequency in large population cohorts (gnomAD); In silico analysis suggests that this missense variant does not alter protein structure/function; Has not been previously published as pathogenic or benign to our knowledge

NM_001367873.1(SOX6):c.2278T>G (p.Ser760Ala)

Gene: SOX6 (SRY-box transcription factor 6; minus strand). Cytogenetic location: 11p15.2.
Variant type: single nucleotide variant.
Coding change: c.2278T>G on transcript NM_001367873.1 (MANE Select); coding-DNA position 2278, T replaced by G.
Protein change: p.Ser760Ala; replaces serine 760 with alanine.
Molecular consequence: missense variant.
Genome position (GRCh38, 1-based): chr11:15,973,018, A>C on the plus strand (T>G on the coding strand, the complement: SOX6 is on the minus strand). VCF-style: chr11-15973018-A-C. GRCh37 (hg19) VCF-style: chr11-15994564-A-C.
Other names: c.2197T>G, p.Ser733Ala (NM_001145811.2, NM_017508.3); c.2278T>G, p.Ser760Ala (NM_001145819.2); c.2155T>G, p.Ser719Ala (NM_001367872.1); c.2218T>G, p.Ser740Ala (NM_033326.3); short protein forms S719A, S733A, S740A, S760A.
Identifiers: ClinVar variation 4536435 (VCV004536435.1).
Genomic context (GRCh38, chr11:15,973,018, plus strand): 5'-AAGTGCTCTGGATGACCGGGAGGCTGGGCTCCGGGCTGGCCGAGGTGCTAGAGCAGTCAG[A>C]TGTCATCTGAGGCGATGGTGTGGTAGTTGCCATAGTGATAGCACCAGGATACACAACACC-3'
Protein context (NP_001354802.1, residues 750-770): ATTTPSPQMT[Ser760Ala]DCSSTSASPE